The following is an entry in ClinVar:

ClinVar aggregate classification (germline): Uncertain significance. Review status: criteria provided, multiple submitters, no conflicts (2 of 4 stars). 2 submissions from 2 submitters: Uncertain significance (2). Last evaluated 2022-12-30.

Conditions:
Inborn genetic diseases. Identifiers: MedGen C0950123, MeSH D030342.

Allele frequency attached by ClinVar (database versions not stated): gnomAD exomes below 0.00001.
gnomAD v4.1: 2 of 1,584,278 alleles (0.00013%); highest among the groups gnomAD compares: Non-Finnish European, 0.00017%; no homozygotes.

Submissions (2):

Labcorp Genetics (formerly Invitae), Labcorp
Classification: Uncertain significance. Last evaluated: 2022-12-30. Review status: criteria provided, single submitter. Criteria: Invitae Variant Classification Sherloc (09022015). Collection method: clinical testing. Allele origin: germline.
Comment: This sequence change replaces arginine, which is basic and polar, with glutamine, which is neutral and polar, at codon 173 of the KMT2A protein (p.Arg173Gln). This variant is not present in population databases (gnomAD no frequency). This variant has not been reported in the literature in individuals affected with KMT2A-related conditions. ClinVar contains an entry for this variant (Variation ID: 985379). Advanced modeling of protein sequence and biophysical properties (such as structural, functional, and spatial information, amino acid conservation, physicochemical variation, residue mobility, and thermodynamic stability) has been performed at Invitae for this missense variant, however the output from this modeling did not meet the statistical confidence thresholds required to predict the impact of this variant on KMT2A protein function. In summary, the available evidence is currently insufficient to determine the role of this variant in disease. Therefore, it has been classified as a Variant of Uncertain Significance.

Ambry Genetics
Classification: Uncertain significance for Inborn genetic diseases. Last evaluated: 2019-05-23. Review status: criteria provided, single submitter. Criteria: Ambry exome assertion method (8-5-2015). Collection method: clinical testing. Allele origin: germline. Affected: yes. Observed: 1 variant allele.

NM_001197104.2(KMT2A):c.518G>A (p.Arg173Gln)

Gene: KMT2A (lysine methyltransferase 2A; plus strand). Cytogenetic location: 11q23.3.
Variant type: single nucleotide variant.
Coding change: c.518G>A on transcript NM_001197104.2 (MANE Select); coding-DNA position 518, G replaced by A.
Protein change: p.Arg173Gln; replaces arginine 173 with glutamine.
Molecular consequence: missense variant.
Genome position (GRCh38, 1-based): chr11:118,471,677, G>A. VCF-style: chr11-118471677-G-A. GRCh37 (hg19) VCF-style: chr11-118342392-G-A.
Other names: c.518G>A, p.Arg173Gln (NM_005933.4); short protein forms R173Q.
Identifiers: ClinVar variation 985379 (VCV000985379.7), dbSNP rs1949944579, ClinGen allele CA382806488.